The following is an entry in ClinVar:

ClinVar aggregate classification (germline): Uncertain significance. Review status: criteria provided, multiple submitters, no conflicts (2 of 4 stars). 3 submissions from 3 submitters: Uncertain significance (3). Last evaluated 2024-12-05.

Conditions:
Familial thoracic aortic aneurysm and aortic dissection (TAAD). Also called: Thoracic aortic aneurysms and dissections. Identifiers: Orphanet 91387, MedGen C4707243, MONDO:0019625.
Ehlers-Danlos syndrome, kyphoscoliotic type 1 (EDSKSCL1). Also called: EHLERS-DANLOS SYNDROME, TYPE VIA; PLOD1-Related Kyphoscoliotic Ehlers-Danlos Syndrome; Ehlers-Danlos syndrome, hydroxylysine-deficient; EHLERS-DANLOS SYNDROME, OCULAR-SCOLIOTIC TYPE. Identifiers: Orphanet 1900, MedGen C0268342, MONDO:0016002, OMIM 225400. Disease mechanism: loss of function.

Allele frequency attached by ClinVar (database versions not stated): gnomAD exomes 0.00001; ExAC 0.00002; gnomAD 0.00010 and 0.00012; TOPMed 0.00012; ESP Exome Variant Server 0.00015.
gnomAD v4.1: 24 of 1,613,876 alleles (0.0015%); highest among the groups gnomAD compares: African/African-American, 0.029%; no homozygotes.

Submissions (3):

Ambry Genetics
Classification: Uncertain significance for Familial thoracic aortic aneurysm and aortic dissection. Last evaluated: 2024-12-05. Review status: criteria provided, single submitter. Criteria: Ambry Variant Classification Scheme 2023. Collection method: clinical testing. Allele origin: germline.

Labcorp Genetics (formerly Invitae), Labcorp
Classification: Uncertain significance for Ehlers-Danlos syndrome, kyphoscoliotic type 1. Last evaluated: 2021-09-01. Review status: criteria provided, single submitter. Criteria: Invitae Variant Classification Sherloc (09022015). Collection method: clinical testing. Allele origin: germline.
Comment: This sequence change replaces asparagine with tyrosine at codon 65 of the PLOD1 protein (p.Asn65Tyr). The asparagine residue is weakly conserved and there is a large physicochemical difference between asparagine and tyrosine. This variant is present in population databases (rs143604754, ExAC 0.03%). This variant has not been reported in the literature in individuals affected with PLOD1-related conditions. Algorithms developed to predict the effect of missense changes on protein structure and function are either unavailable or do not agree on the potential impact of this missense change (SIFT: "Deleterious"; PolyPhen-2: "Benign"; Align-GVGD: "Class C0"). Algorithms developed to predict the effect of sequence changes on RNA splicing suggest that this variant may create or strengthen a splice site. In summary, the available evidence is currently insufficient to determine the role of this variant in disease. Therefore, it has been classified as a Variant of Uncertain Significance.

Baylor Genetics
Classification: Uncertain significance for Ehlers-Danlos syndrome, kyphoscoliotic type 1. Last evaluated: 2018-04-26. Review status: criteria provided, single submitter. Criteria: ACMG Guidelines, 2015. Collection method: clinical testing. Allele origin: paternal. Affected: yes.
Comment: This variant was determined to be of uncertain significance according to ACMG Guidelines, 2015 [PMID:25741868].

NM_000302.4(PLOD1):c.193A>T (p.Asn65Tyr)

Gene: PLOD1 (procollagen-lysine,2-oxoglutarate 5-dioxygenase 1; plus strand). Cytogenetic location: 1p36.22.
Variant type: single nucleotide variant.
Coding change: c.193A>T on transcript NM_000302.4 (MANE Select); coding-DNA position 193, A replaced by T.
Protein change: p.Asn65Tyr; replaces asparagine 65 with tyrosine.
Molecular consequence: missense variant.
Genome position (GRCh38, 1-based): chr1:11,949,797, A>T. VCF-style: chr1-11949797-A-T. GRCh37 (hg19) VCF-style: chr1-12009854-A-T.
Other names: c.334A>T, p.Asn112Tyr (NM_001316320.2); short protein forms N112Y, N65Y.
Identifiers: ClinVar variation 1010342 (VCV001010342.11), dbSNP rs143604754, ClinGen allele CA597833.
Genomic context (GRCh38, chr1:11,949,797, plus strand): 5'-TACCAAAAGCCCGTGTTAAGGGGTGTTTCTCTCCAGGCGCTTGGCCTAGGGGAGGACTGG[A>T]ATGTGGAGAAGGGGACGTCGGCAGGTGGAGGGCAGAAGGTCCGGCTGCTGAAGAAAGCTC-3'
Protein context (NP_000293.2, residues 55-75): IQALGLGEDW[Asn65Tyr]VEKGTSAGGG